The following is an entry in ClinVar:

NM_001458.5(FLNC):c.4838C>A (p.Thr1613Asn)

Gene: FLNC (filamin C; plus strand). Cytogenetic location: 7q32.1.
Variant type: single nucleotide variant.
Coding change: c.4838C>A on transcript NM_001458.5 (MANE Select); coding-DNA position 4838, C replaced by A.
Protein change: p.Thr1613Asn; replaces threonine 1613 with asparagine.
Molecular consequence: missense variant.
Genome position (GRCh38, 1-based): chr7:128,848,893, C>A. VCF-style: chr7-128848893-C-A. GRCh37 (hg19) VCF-style: chr7-128488947-C-A.
Other names: c.4838C>A, p.Thr1613Asn (NM_001127487.2); short protein forms T1613N.
Identifiers: ClinVar variation 3755619 (VCV003755619.2).
Genomic context (GRCh38, chr7:128,848,893, plus strand): 5'-ATGGGGATGGCACGTACACTGTGTCCTACCTGCCGGACATGAGTGGCCGGTACACCATCA[C>A]CATCAAGTATGGCGGTGATGAGATCCCCTACTCGCCCTTCCGCATCCATGCTCTGCCCAC-3'
Protein context (NP_001449.3, residues 1603-1623): LPDMSGRYTI[Thr1613Asn]IKYGGDEIPY

ClinVar aggregate classification (germline): Uncertain significance (1 of 4 stars; one submission).

Conditions:
Distal myopathy with posterior leg and anterior hand involvement. Also called: WILLIAMS DISTAL MYOPATHY. Identifiers: Orphanet 63273, MedGen C3279722, MONDO:0013550, OMIM 614065.
Hypertrophic cardiomyopathy 26. Also called: Cardiomyopathy, familial hypertrophic, 26. Identifiers: Orphanet 75249, MedGen C4310749, MONDO:0014883, OMIM 617047.
Myofibrillar myopathy 5. Also called: Filaminopathy (type); FILAMINOPATHY, AUTOSOMAL DOMINANT. Identifiers: Orphanet 171445, MedGen C1836050, MONDO:0012289, OMIM 609524.

Submission:

Labcorp Genetics (formerly Invitae), Labcorp
Classification: Uncertain significance for Distal myopathy with posterior leg and anterior hand involvement; Myofibrillar myopathy 5; Hypertrophic cardiomyopathy 26. Last evaluated: 2024-04-01. Review status: criteria provided, single submitter. Criteria: Invitae Variant Classification Sherloc (09022015). Collection method: clinical testing. Allele origin: germline.
Comment: This sequence change replaces threonine, which is neutral and polar, with asparagine, which is neutral and polar, at codon 1613 of the FLNC protein (p.Thr1613Asn). This variant is not present in population databases (gnomAD no frequency). This variant has not been reported in the literature in individuals affected with FLNC-related conditions. Advanced modeling of protein sequence and biophysical properties (such as structural, functional, and spatial information, amino acid conservation, physicochemical variation, residue mobility, and thermodynamic stability) has been performed at Invitae for this missense variant, however the output from this modeling did not meet the statistical confidence thresholds required to predict the impact of this variant on FLNC protein function. In summary, the available evidence is currently insufficient to determine the role of this variant in disease. Therefore, it has been classified as a Variant of Uncertain Significance.